The following is an entry in ClinVar:

ClinVar aggregate classification (germline): Uncertain significance (1 of 4 stars; one submission).

Conditions:
Hereditary cancer-predisposing syndrome. Also called: Neoplastic Syndromes, Hereditary; Tumor predisposition; Hereditary neoplastic syndrome; Hereditary Cancer Syndrome. Identifiers: Orphanet 140162, MedGen C0027672, MeSH D009386, MONDO:0015356.

Submission:

Ambry Genetics
Classification: Uncertain significance for Hereditary cancer-predisposing syndrome. Last evaluated: 2026-07-19. Review status: criteria provided, single submitter. Criteria: Ambry Variant Classification Scheme 2023. Collection method: clinical testing. Allele origin: germline.
Comment: The p.K122R variant (also known as c.365A>G), located in coding exon 3 of the RB1 gene, results from an A to G substitution at nucleotide position 365. The lysine at codon 122 is replaced by arginine, an amino acid with highly similar properties. This amino acid position is conserved. In addition, the in silico prediction for this alteration is inconclusive. Based on the available evidence, the clinical significance of this variant remains unclear.

NM_000321.3(RB1):c.365A>G (p.Lys122Arg)

Gene: RB1 (RB transcriptional corepressor 1; plus strand). Cytogenetic location: 13q14.2.
Variant type: single nucleotide variant.
Coding change: c.365A>G on transcript NM_000321.3 (MANE Select); coding-DNA position 365, A replaced by G.
Protein change: p.Lys122Arg; replaces lysine 122 with arginine.
Molecular consequence: missense variant.
Genome position (GRCh38, 1-based): chr13:48,342,699, A>G. VCF-style: chr13-48342699-A-G. GRCh37 (hg19) VCF-style: chr13-48916835-A-G.
Other names: c.365A>G, p.Lys122Arg (NM_001407165.1, NM_001407166.1); short protein forms K122R.
Identifiers: ClinVar variation 5027968 (VCV005027968.1).